The following is an entry in ClinVar:

NM_000257.4(MYH7):c.5457_5458delinsTA (p.Val1819_Arg1820=)

Gene: MYH7 (myosin heavy chain 7; minus strand). Cytogenetic location: 14q11.2.
Variant type: Indel.
Coding change: c.5457_5458delinsTA on transcript NM_000257.4 (MANE Select); coding-DNA positions 5457 to 5458, GC replaced by TA.
Protein change: p.Val1819_Arg1820=.
Molecular consequence: synonymous variant.
Genome position (GRCh38, 1-based): chr14:23,415,096-23,415,097, GC replaced by TA on the plus strand (GC replaced by TA on the coding strand, the reverse complement: MYH7 is on the minus strand). VCF-style: chr14-23415096-GC-TA. GRCh37 (hg19) VCF-style: chr14-23884305-GC-TA.
Other names: c.5457_5458delinsTA, p.Val1819_Arg1820= (NM_001407004.1); c.5457_5458delGCinsTA (NM_000257.4).
Identifiers: ClinVar variation 4844331 (VCV004844331.1).

ClinVar aggregate classification (germline): Uncertain significance (1 of 4 stars; one submission).

Conditions:
Cardiovascular phenotype. Identifiers: MedGen CN230736.

Submission:

Ambry Genetics
Classification: Uncertain significance for Cardiovascular phenotype. Last evaluated: 2026-01-29. Review status: criteria provided, single submitter. Criteria: Ambry Variant Classification Scheme 2023. Collection method: clinical testing. Allele origin: germline.
Comment: The c.5457_5458delGCinsTA variant, located in coding exon 35 of the MYH7 gene, results from an in-frame deletion of GC and insertion of TA at nucleotide positions 5457 to 5458. This does not change the amino acid at codon 1820. This nucleotide region ranges from not well conserved to well conserved conserved in available vertebrate species. In silico splice site analysis predicts that this alteration will not have any significant effect on splicing. Based on the available evidence, the clinical significance of this variant remains unclear.